The following is an entry in ClinVar:

NM_173076.3(ABCA12):c.5446_5447del (p.Met1816fs)

Gene: ABCA12 (ATP binding cassette subfamily A member 12; minus strand). Cytogenetic location: 2q35.
Variant type: Deletion.
Coding change: c.5446_5447del on transcript NM_173076.3 (MANE Select); coding-DNA positions 5446 to 5447, 2 bases deleted (AT; older notation c.5446_5447delAT).
Protein change: p.Met1816fs; shifts the reading frame from methionine 1816.
Molecular consequence: frameshift variant. On other transcripts: non-coding transcript variant (1).
Genome position (GRCh38, 1-based): chr2:214,974,799-214,974,800, AT deleted on the plus strand (AT on the coding strand, the reverse complement: ABCA12 is on the minus strand). VCF-style (leftmost placement, unchanged base first): chr2-214974798-CAT-C. GRCh37 (hg19) VCF-style: chr2-215839522-CAT-C.
Other names: c.4492_4493del, p.Met1498fs (NM_015657.4); short protein forms M1498fs, M1816fs.
Identifiers: ClinVar variation 2708066 (VCV002708066.3), dbSNP rs2469212409, ClinGen allele CA2662977324.
Genomic context (GRCh38, chr2:214,974,798, plus strand): 5'-AATGCTGAAAACAAAAAATAGAAGAGCAAGAACCACTTACAGATCACTGGTGTTCAGACA[CAT>C]GTTGTCAATTCCAGGGAAGTCCCACATTGCTGAGACAAGTGCTTCCGTGCTCGGGTGATA-3'

ClinVar aggregate classification (germline): Pathogenic (1 of 4 stars; one submission).

Allele frequency attached by ClinVar (database versions not stated): gnomAD exomes below 0.00001.

Submission:

Labcorp Genetics (formerly Invitae), Labcorp
Classification: Pathogenic. Last evaluated: 2024-01-07. Review status: criteria provided, single submitter. Criteria: Invitae Variant Classification Sherloc (09022015). Collection method: clinical testing. Allele origin: germline.
Comment: This sequence change creates a premature translational stop signal (p.Met1816Valfs*6) in the ABCA12 gene. It is expected to result in an absent or disrupted protein product. Loss-of-function variants in ABCA12 are known to be pathogenic (PMID: 20672373). This variant is not present in population databases (gnomAD no frequency). This variant has not been reported in the literature in individuals affected with ABCA12-related conditions. For these reasons, this variant has been classified as Pathogenic.

Literature cited by the submitters: PubMed 20672373.